The following is an entry in ClinVar:

ClinVar aggregate classification (germline): Uncertain significance (1 of 4 stars; one submission).

Conditions:
ECHDC1-related condition.

gnomAD v4.1: 25 of 1,614,090 alleles (0.0015%); highest among the groups gnomAD compares: South Asian, 0.025%; no homozygotes.

Submission:

PreventionGenetics, part of Exact Sciences
Classification: Uncertain significance for ECHDC1-related condition. Last evaluated: 2026-01-26. Review status: criteria provided, single submitter. Criteria: ACMG Guidelines, 2015. Collection method: clinical testing. Allele origin: germline.
Comment: The ECHDC1 c.127G>A variant is predicted to result in the amino acid substitution p.Val43Met. To our knowledge, this variant has not been reported in the literature. This variant is reported in 0.029% of alleles in individuals of South Asian descent in gnomAD. At this time, the clinical significance of this variant is uncertain due to the absence of conclusive functional and genetic evidence.

NM_001002030.2(ECHDC1):c.109G>A (p.Val37Met)

Gene: ECHDC1 (ethylmalonyl-CoA decarboxylase 1; minus strand). Cytogenetic location: 6q22.33.
Variant type: single nucleotide variant.
Coding change: c.109G>A on transcript NM_001002030.2 (MANE Select); coding-DNA position 109, G replaced by A.
Protein change: p.Val37Met; replaces valine 37 with methionine.
Molecular consequence: missense variant. On other transcripts: intron variant (2).
Genome position (GRCh38, 1-based): chr6:127,330,920, C>T on the plus strand (G>A on the coding strand, the complement: ECHDC1 is on the minus strand). VCF-style: chr6-127330920-C-T. GRCh37 (hg19) VCF-style: chr6-127652065-C-T.
Other names: c.127G>A, p.Val43Met (NM_001139510.2); c.109G>A, p.Val37Met (NM_018479.4); c.-5-3776G>A (NM_001105545.2, NM_001105544.2); short protein forms V43M, V37M.
Identifiers: ClinVar variation 4987351 (VCV004987351.1).
Genomic context (GRCh38, chr6:127,330,920, plus strand): 5'-CATTGTCTTCCTTCTGAAGGTCAATGGATCCACCAGGAAACTGCTGAAGTGTTTTTTTCA[C>T]TTCTTCCTCATAAAATCCATGGGATGTACTATAAAGTGACAATCCTGTTTGATGTAGCAA-3'
Protein context (NP_001002030.1, residues 27-47): STSHGFYEEE[Val37Met]KKTLQQFPGG